The following is an entry in ClinVar:

ClinVar aggregate classification (germline): Uncertain significance (1 of 4 stars; one submission).

Conditions:
Autosomal recessive spastic paraplegia type 78. Identifiers: Orphanet 513436, MedGen C5567893, MONDO:0014975, OMIM 617225.
Kufor-Rakeb syndrome (KRS). Also called: PARKINSON DISEASE 9, AUTOSOMAL RECESSIVE, JUVENILE-ONSET. Identifiers: Orphanet 306674, Orphanet 314632, MedGen C1847640, MONDO:0011706, OMIM 606693.

Submission:

Labcorp Genetics (formerly Invitae), Labcorp
Classification: Uncertain significance for Kufor-Rakeb syndrome; Autosomal recessive spastic paraplegia type 78. Last evaluated: 2017-07-12. Review status: criteria provided, single submitter. Criteria: Invitae Variant Classification Sherloc (09022015). Collection method: clinical testing. Allele origin: germline.
Comment: This sequence change falls in intron 26 of the ATP13A2 gene. It does not directly change the encoded amino acid sequence of the ATP13A2 protein. This variant is present in population databases (rs368908107, ExAC 0.002%). This variant has not been reported in the literature in individuals with ATP13A2-related disease. In summary, the available evidence is currently insufficient to determine the role of this variant in disease. Therefore, it has been classified as a Variant of Uncertain Significance.

NM_022089.4(ATP13A2):c.3084-10G>T

Gene: ATP13A2 (ATPase cation transporting 13A2; minus strand). Cytogenetic location: 1p36.13.
Variant type: single nucleotide variant.
Coding change: c.3084-10G>T on transcript NM_022089.4 (MANE Select); 10 bases into the intron before coding-DNA position 3084, G replaced by T.
Molecular consequence: intron variant.
Genome position (GRCh38, 1-based): chr1:16,986,966, C>A on the plus strand (G>T on the coding strand, the complement: ATP13A2 is on the minus strand). VCF-style: chr1-16986966-C-A. GRCh37 (hg19) VCF-style: chr1-17313461-C-A.
Other names: c.2952-10G>T (NM_001141974.3); c.3069-10G>T (NM_001141973.3).
Identifiers: ClinVar variation 465261 (VCV000465261.1), dbSNP rs368908107, ClinGen allele CA636602.